The following is an entry in ClinVar:

ClinVar aggregate classification (germline): Uncertain significance. Review status: criteria provided, multiple submitters, no conflicts (2 of 4 stars). 2 submissions from 2 submitters: Uncertain significance (2). Last evaluated 2024-06-04.

Allele frequency attached by ClinVar (database versions not stated): gnomAD exomes 0.00001; TOPMed 0.00002; gnomAD 0.00003 and 0.00004.
gnomAD v4.1: 45 of 1,534,500 alleles (0.0029%); highest among the groups gnomAD compares: Non-Finnish European, 0.0038%; no homozygotes.

Submissions (2):

Ambry Genetics
Classification: Uncertain significance. Last evaluated: 2024-06-04. Review status: criteria provided, single submitter. Criteria: Ambry Variant Classification Scheme 2023. Collection method: clinical testing. Allele origin: germline.

GeneDx
Classification: Uncertain significance. Last evaluated: 2019-12-03. Review status: criteria provided, single submitter. Criteria: GeneDx Variant Classification Process June 2021. Collection method: clinical testing. Allele origin: germline. Affected: yes.
Comment: Not observed at a significant frequency in large population cohorts (Lek et al., 2016); In silico analysis, which includes protein predictors and evolutionary conservation, supports that this variant does not alter protein structure/function; Has not been previously published as pathogenic or benign to our knowledge

NM_004807.3(HS6ST1):c.41G>C (p.Arg14Pro)

Gene: HS6ST1 (heparan sulfate 6-O-sulfotransferase 1; minus strand). Cytogenetic location: 2q14.3.
Variant type: single nucleotide variant.
Coding change: c.41G>C on transcript NM_004807.3 (MANE Select); coding-DNA position 41, G replaced by C.
Protein change: p.Arg14Pro; replaces arginine 14 with proline.
Molecular consequence: missense variant.
Genome position (GRCh38, 1-based): chr2:128,318,523, C>G on the plus strand (G>C on the coding strand, the complement: HS6ST1 is on the minus strand). VCF-style: chr2-128318523-C-G. GRCh37 (hg19) VCF-style: chr2-129076097-C-G.
Other names: short protein forms R14P.
Identifiers: ClinVar variation 1303222 (VCV001303222.3), dbSNP rs760954597, ClinGen allele CA1867702.